The following is an entry in ClinVar:

NM_002439.5(MSH3):c.3130G>A (p.Gly1044Ser)

Gene: MSH3 (mutS homolog 3; plus strand). Cytogenetic location: 5q14.1.
Variant type: single nucleotide variant.
Coding change: c.3130G>A on transcript NM_002439.5 (MANE Select); coding-DNA position 3130, G replaced by A.
Protein change: p.Gly1044Ser; replaces glycine 1044 with serine.
Molecular consequence: missense variant.
Genome position (GRCh38, 1-based): chr5:80,864,942, G>A. VCF-style: chr5-80864942-G-A. GRCh37 (hg19) VCF-style: chr5-80160761-G-A.
Other names: short protein forms G1044S.
Identifiers: ClinVar variation 1476245 (VCV001476245.6), dbSNP rs1451464888, ClinGen allele CA360346527.

ClinVar aggregate classification (germline): Pathogenic (1 of 4 stars; one submission).

Allele frequency attached by ClinVar (database versions not stated): gnomAD exomes 0.00001.
gnomAD v4.1: 11 of 1,613,812 alleles (0.00068%); highest among the groups gnomAD compares: Non-Finnish European, 0.00093%; no homozygotes.

Submission:

Labcorp Genetics (formerly Invitae), Labcorp
Classification: Pathogenic. Last evaluated: 2025-08-26. Review status: criteria provided, single submitter. Criteria: Invitae Variant Classification Sherloc (09022015). Collection method: clinical testing. Allele origin: germline.
Comment: This sequence change affects codon 1044 of the MSH3 mRNA. It is a 'silent' change, meaning that it does not change the encoded amino acid sequence of the MSH3 protein. RNA analysis indicates that this variant induces altered splicing and may result in an absent or altered protein product. This variant is not present in population databases (gnomAD no frequency). This variant has not been reported in the literature in individuals affected with MSH3-related conditions. ClinVar contains an entry for this variant (Variation ID: 1476245). An algorithm developed to predict the effect of missense changes on protein structure and function (PolyPhen-2) suggests that this variant is likely to be tolerated. Variants that disrupt the consensus splice site are a relatively common cause of aberrant splicing (PMID: 17576681, 9536098). Studies have shown that this variant results in skipping of exon 22, and produces a non-functional protein and/or introduces a premature termination codon (internal data). For these reasons, this variant has been classified as Pathogenic.

Literature cited by the submitters: PubMed 17576681; PubMed 9536098.